The following is an entry in ClinVar:

ClinVar aggregate classification (germline): Uncertain significance. Review status: criteria provided, multiple submitters, no conflicts (2 of 4 stars). 3 submissions from 3 submitters: Uncertain significance (3). Last evaluated 2023-08-10.

Conditions:
Retinitis pigmentosa 49 (RP49). Identifiers: Orphanet 791, MedGen C3151059, MONDO:0013405, OMIM 613756.

Submissions (3):

Labcorp Genetics (formerly Invitae), Labcorp
Classification: Uncertain significance. Last evaluated: 2023-08-10. Review status: criteria provided, single submitter. Criteria: Invitae Variant Classification Sherloc (09022015). Collection method: clinical testing. Allele origin: germline.
Comment: This variant has not been reported in the literature in individuals affected with CNGA1-related conditions. ClinVar contains an entry for this variant (Variation ID: 2111305). An algorithm developed to predict the effect of missense changes on protein structure and function (PolyPhen-2) suggests that this variant is likely to be disruptive. In summary, the available evidence is currently insufficient to determine the role of this variant in disease. Therefore, it has been classified as a Variant of Uncertain Significance. This sequence change replaces valine, which is neutral and non-polar, with glycine, which is neutral and non-polar, at codon 393 of the CNGA1 protein (p.Val393Gly). This variant is not present in population databases (gnomAD no frequency).

Revvity Omics, Revvity
Classification: Uncertain significance for Retinitis pigmentosa 49. Last evaluated: 2022-12-15. Review status: criteria provided, single submitter. Criteria: ACMG Guidelines, 2015. Collection method: clinical testing. Allele origin: germline.

Blueprint Genetics
Classification: Uncertain significance. Last evaluated: 2022-04-08. Review status: criteria provided, single submitter. Criteria: ACMG Guidelines, 2015. Collection method: clinical testing. Allele origin: germline.

NM_001379270.1(CNGA1):c.1166T>G (p.Val389Gly)

Genes: CNGA1 (cyclic nucleotide gated channel subunit alpha 1; minus strand), LOC101927157 (uncharacterized LOC101927157; plus strand). Cytogenetic location: 4p12.
Variant type: single nucleotide variant.
Coding change: c.1166T>G on transcript NM_001379270.1 (MANE Select); coding-DNA position 1166, T replaced by G.
Protein change: p.Val389Gly; replaces valine 389 with glycine.
Molecular consequence: missense variant.
Genome position (GRCh38, 1-based): chr4:47,937,316, A>C on the plus strand (T>G on the coding strand, the complement: CNGA1 is on the minus strand). VCF-style: chr4-47937316-A-C. GRCh37 (hg19) VCF-style: chr4-47939333-A-C.
Other names: c.1166T>G, p.Val389Gly (NM_000087.5, NM_001142564.2); short protein forms V389G.
Identifiers: ClinVar variation 2111305 (VCV002111305.8), dbSNP rs2475750245, ClinGen allele CA356826824.
Genomic context (GRCh38, chr4:47,937,316, plus strand): 5'-CTTGCTTGAAATTCTGCTCTGGCTGCATTCATGTTGGAAATCATAGAACCTATGTTACCA[A>C]CGATGGTAGCAAAAATTAACACTCCAATTAGGAAATCAACCACCACAAAGACATACTCAG-3'
Protein context (NP_001366199.1, residues 379-399): LIGVLIFATI[Val389Gly]GNIGSMISNM